The following is an entry in ClinVar:

NM_024757.5(EHMT1):c.3610G>C (p.Glu1204Gln)

Gene: EHMT1 (euchromatic histone lysine methyltransferase 1; plus strand). Cytogenetic location: 9q34.3.
Variant type: single nucleotide variant.
Coding change: c.3610G>C on transcript NM_024757.5 (MANE Select); coding-DNA position 3610, G replaced by C.
Protein change: p.Glu1204Gln; replaces glutamic acid 1204 with glutamine.
Molecular consequence: missense variant.
Genome position (GRCh38, 1-based): chr9:137,834,418, G>C. VCF-style: chr9-137834418-G-C. GRCh37 (hg19) VCF-style: chr9-140728870-G-C.
Other names: c.3589G>C, p.Glu1197Gln (NM_001354263.2); short protein forms E1197Q, E1204Q.
Identifiers: ClinVar variation 2822505 (VCV002822505.3), dbSNP rs773593938, ClinGen allele CA375781538.

ClinVar aggregate classification (germline): Uncertain significance (1 of 4 stars; one submission).

Conditions:
Kleefstra syndrome 1 (KLEFS1). Identifiers: Orphanet 261494, MedGen C0795833, MONDO:0027407, OMIM 610253.

gnomAD v4.1: 1 of 1,613,336 alleles (0.000062%); highest among the groups gnomAD compares: South Asian, 0.0011%; no homozygotes.

Submission:

Labcorp Genetics (formerly Invitae), Labcorp
Classification: Uncertain significance for Kleefstra syndrome 1. Last evaluated: 2023-02-16. Review status: criteria provided, single submitter. Criteria: Invitae Variant Classification Sherloc (09022015). Collection method: clinical testing. Allele origin: germline.
Comment: This variant is present in population databases (no rsID available, gnomAD 0.0009%). This sequence change replaces glutamic acid, which is acidic and polar, with glutamine, which is neutral and polar, at codon 1204 of the EHMT1 protein (p.Glu1204Gln). This variant has not been reported in the literature in individuals affected with EHMT1-related conditions. In summary, the available evidence is currently insufficient to determine the role of this variant in disease. Therefore, it has been classified as a Variant of Uncertain Significance. Advanced modeling of protein sequence and biophysical properties (such as structural, functional, and spatial information, amino acid conservation, physicochemical variation, residue mobility, and thermodynamic stability) performed at Invitae indicates that this missense variant is expected to disrupt EHMT1 protein function.